The following is an entry in ClinVar:

NM_152309.3(PIK3AP1):c.1060T>A (p.Leu354Met)

Gene: PIK3AP1 (phosphoinositide-3-kinase adaptor protein 1; minus strand). Cytogenetic location: 10q24.1.
Variant type: single nucleotide variant.
Coding change: c.1060T>A on transcript NM_152309.3 (MANE Select); coding-DNA position 1060, T replaced by A.
Protein change: p.Leu354Met; replaces leucine 354 with methionine.
Molecular consequence: missense variant.
Genome position (GRCh38, 1-based): chr10:96,648,784, A>T on the plus strand (T>A on the coding strand, the complement: PIK3AP1 is on the minus strand). VCF-style: chr10-96648784-A-T. GRCh37 (hg19) VCF-style: chr10-98408541-A-T.
Other names: short protein forms L354M.
Identifiers: ClinVar variation 2084555 (VCV002084555.4), dbSNP rs899601765, ClinGen allele CA212588782.

ClinVar aggregate classification (germline): Uncertain significance (1 of 4 stars; one submission).

Conditions:
Infantile spasms. Also called: Infantile spasm. Identifiers: MedGen C3887898, HP:0012469.

Allele frequency attached by ClinVar (database versions not stated): gnomAD exomes below 0.00001; gnomAD 0.00002; TOPMed 0.00002.
gnomAD v4.1: 5 of 1,609,046 alleles (0.00031%); highest among the groups gnomAD compares: African/African-American, 0.0054%; no homozygotes.

Submission:

Labcorp Genetics (formerly Invitae), Labcorp
Classification: Uncertain significance for Infantile spasms. Last evaluated: 2022-10-17. Review status: criteria provided, single submitter. Criteria: Invitae Variant Classification Sherloc (09022015). Collection method: clinical testing. Allele origin: germline.
Comment: In summary, the available evidence is currently insufficient to determine the role of this variant in disease. Therefore, it has been classified as a Variant of Uncertain Significance. Algorithms developed to predict the effect of missense changes on protein structure and function are either unavailable or do not agree on the potential impact of this missense change (SIFT: "Tolerated"; PolyPhen-2: "Probably Damaging"; Align-GVGD: "Class C0"). This variant has not been reported in the literature in individuals affected with PIK3AP1-related conditions. The frequency data for this variant in the population databases is considered unreliable, as metrics indicate poor data quality at this position in the gnomAD database. This sequence change replaces leucine, which is neutral and non-polar, with methionine, which is neutral and non-polar, at codon 354 of the PIK3AP1 protein (p.Leu354Met).